The following is an entry in ClinVar:

ClinVar aggregate classification (germline): Pathogenic/Likely pathogenic. Review status: criteria provided, multiple submitters, no conflicts (2 of 4 stars). 3 submissions from 3 submitters: Pathogenic (2); Likely pathogenic (1). Last evaluated 2025-05-01.

Conditions:
Polycystic kidney disease, adult type (PKD1). Also called: POLYCYSTIC KIDNEY DISEASE 1 WITH OR WITHOUT POLYCYSTIC LIVER DISEASE; POLYCYSTIC KIDNEY DISEASE, ADULT, TYPE I; Polycystic Kidney Disease 1, Autosomal Dominant; Polycystic kidney disease 1; Polycystic kidney disease 1, severe; Polycystic Kidney, Autosomal Dominant. Identifiers: MedGen C3149841, MONDO:0008263, OMIM 173900.

Submissions (3):

Women's Health and Genetics/Laboratory Corporation of America, LabCorp
Classification: Pathogenic for Polycystic kidney disease, adult type. Last evaluated: 2025-05-01. Review status: criteria provided, single submitter. Criteria: LabCorp Variant Classification Summary - May 2015. Collection method: clinical testing. Allele origin: germline.
Comment: Variant summary: PKD1 c.5478G>A (p.Trp1826X) results in a premature termination codon, predicted to cause a truncation of the encoded protein or absence of the protein due to nonsense mediated decay, which are commonly known mechanisms for disease. The variant was absent in 198646 control chromosomes (gnomAD). To our knowledge, no occurrence of c.5478G>A in individuals affected with Polycystic Kidney Disease 1 and no experimental evidence demonstrating its impact on protein function have been reported. ClinVar contains an entry for this variant (Variation ID: 3024074). Based on the evidence outlined above, the variant was classified as pathogenic.

Fulgent Genetics
Classification: Pathogenic for Polycystic kidney disease, adult type. Last evaluated: 2024-04-01. Review status: criteria provided, single submitter. Criteria: ACMG Guidelines, 2015. Collection method: clinical testing. Allele origin: germline.

Department of Human Genetics, Hannover Medical School
Classification: Likely pathogenic for Polycystic kidney disease, adult type. Last evaluated: 2024-02-20. Review status: criteria provided, single submitter. Criteria: ACMG Guidelines, 2015. Collection method: clinical testing. Allele origin: germline. Affected: yes.

NM_001009944.3(PKD1):c.5478G>A (p.Trp1826Ter)

Gene: PKD1 (polycystin 1, transient receptor potential channel interacting; minus strand). Cytogenetic location: 16p13.3.
Variant type: single nucleotide variant.
Coding change: c.5478G>A on transcript NM_001009944.3 (MANE Select); coding-DNA position 5478, G replaced by A.
Protein change: p.Trp1826Ter; replaces tryptophan 1826 with a stop codon.
Molecular consequence: nonsense.
Genome position (GRCh38, 1-based): chr16:2,109,689, C>T on the plus strand (G>A on the coding strand, the complement: PKD1 is on the minus strand). VCF-style: chr16-2109689-C-T. GRCh37 (hg19) VCF-style: chr16-2159690-C-T.
Other names: c.5478G>A, p.Trp1826Ter (NM_000296.4); short protein forms W1826*.
Identifiers: ClinVar variation 3024074 (VCV003024074.3), dbSNP rs2544812084, ClinGen allele CA394376692.